The following is an entry in ClinVar:

NM_014991.6(WDFY3):c.9347C>A (p.Thr3116Asn)

Gene: WDFY3 (WD repeat and FYVE domain containing 3; minus strand). Cytogenetic location: 4q21.23.
Variant type: single nucleotide variant.
Coding change: c.9347C>A on transcript NM_014991.6 (MANE Select); coding-DNA position 9347, C replaced by A.
Protein change: p.Thr3116Asn; replaces threonine 3116 with asparagine.
Molecular consequence: missense variant.
Genome position (GRCh38, 1-based): chr4:84,690,522, G>T on the plus strand (C>A on the coding strand, the complement: WDFY3 is on the minus strand). VCF-style: chr4-84690522-G-T. GRCh37 (hg19) VCF-style: chr4-85611675-G-T.
Other names: short protein forms T3116N.
Identifiers: ClinVar variation 1031853 (VCV001031853.1), dbSNP rs1315045089, ClinGen allele CA357537027.

ClinVar aggregate classification (germline): Uncertain significance (1 of 4 stars; one submission).

Conditions:
Microcephaly 18, primary, autosomal dominant (MCPH18). Identifiers: MedGen C4479608, MONDO:0054593, OMIM 617520.

Allele frequency attached by ClinVar (database versions not stated): gnomAD exomes below 0.00001.
gnomAD v4.1: 2 of 1,614,068 alleles (0.00012%); highest among the groups gnomAD compares: Admixed American, 0.0017%; no homozygotes.

Submission:

Baylor Genetics
Classification: Uncertain significance for Microcephaly 18, primary, autosomal dominant. Last evaluated: 2018-04-27. Review status: criteria provided, single submitter. Criteria: ACMG Guidelines, 2015. Collection method: clinical testing. Allele origin: maternal. Affected: yes.
Comment: This variant was determined to be of uncertain significance according to ACMG Guidelines, 2015 [PMID:25741868].